The following is an entry in ClinVar:

NM_022124.6(CDH23):c.646C>G (p.Leu216Val)

Gene: CDH23 (cadherin related 23; plus strand). Cytogenetic location: 10q22.1.
Variant type: single nucleotide variant.
Coding change: c.646C>G on transcript NM_022124.6 (MANE Select); coding-DNA position 646, C replaced by G.
Protein change: p.Leu216Val; replaces leucine 216 with valine.
Molecular consequence: missense variant.
Genome position (GRCh38, 1-based): chr10:71,570,811, C>G. VCF-style: chr10-71570811-C-G. GRCh37 (hg19) VCF-style: chr10-73330568-C-G.
Other names: c.646C>G, p.Leu216Val (NM_001171930.2, NM_001171931.2, NM_001171932.2 and 1 more transcripts); short protein forms L216V.
Identifiers: ClinVar variation 3383943 (VCV003383943.1).

ClinVar aggregate classification (germline): Pathogenic (0 of 4 stars; one submission).

Conditions:
Autosomal recessive nonsyndromic hearing loss 12. Also called: DEAFNESS, AUTOSOMAL RECESSIVE 12. Identifiers: Orphanet 90636, MedGen C1832394, MONDO:0011067, OMIM 601386.

Submission:

Wonkam Laboratory, Johns Hopkins University
Classification: Pathogenic for Autosomal recessive nonsyndromic hearing loss 12. Last evaluated: 2024-01-06. Review status: no assertion criteria provided. Collection method: research. Allele origin: biparental. Inheritance: Autosomal recessive inheritance. Affected: yes. Observed: 2 variant alleles.
Comment: The variant NM_001171931.1 c.646C>G is located in a mutational hot spot and/or critical and well-established functional domain of CDH23 gene (PM1), absent from controls including database like gnomAD v4.1.0 (PM2), Cosegregation with disease in multiple affected family members in a gene definitively known to cause the disease (PP1), Patient's phenotype or family history is highly specific for a disease with a single genetic etiology (PP4). This variant was identified in homozygote state in affected individuals and heterozygous and/or wildtype in unaffected parents and siblings